The following is an entry in ClinVar:

NM_016156.6(MTMR2):c.847C>T (p.Arg283Trp)

Gene: MTMR2 (myotubularin related protein 2; minus strand). Cytogenetic location: 11q21.
Variant type: single nucleotide variant.
Coding change: c.847C>T on transcript NM_016156.6 (MANE Select); coding-DNA position 847, C replaced by T.
Protein change: p.Arg283Trp; replaces arginine 283 with tryptophan.
Molecular consequence: missense variant.
Genome position (GRCh38, 1-based): chr11:95,849,820, G>A on the plus strand (C>T on the coding strand, the complement: MTMR2 is on the minus strand). VCF-style: chr11-95849820-G-A. GRCh37 (hg19) VCF-style: chr11-95582984-G-A.
Other names: c.631C>T, p.Arg211Trp (NM_001243571.2, NM_201278.3, NM_201281.3); short protein forms R283W, R211W.
Identifiers: ClinVar variation 637808 (VCV000637808.3), dbSNP rs1590983932, ClinGen allele CA382425568.
Genomic context (GRCh38, chr11:95,849,820, plus strand): 5'-GGTATTTTTCATCTTCTTTGCTTCGCTTTCCACTCACTCCAACCATGGGCTGGCTACACC[G>A]AGTGATTGTGGCTTGACTTTCAGGATGAATCCATGATAAAACCTTAATGAGGAAAAAATG-3'
Protein context (NP_057240.3, residues 273-293): IHPESQATIT[Arg283Trp]CSQPMVGVSG

ClinVar aggregate classification (germline): Likely pathogenic. Review status: criteria provided, single submitter (1 of 4 stars). 2 submissions from 2 submitters: Likely pathogenic (1). 1 of the submissions does not count toward it.

Conditions:
Charcot-Marie-Tooth disease type 4B1. Also called: CHARCOT-MARIE-TOOTH DISEASE, AUTOSOMAL RECESSIVE, WITH FOCALLY FOLDED MYELIN SHEATHS, AUTOSOMAL RECESSIVE, TYPE 4B1; CHARCOT-MARIE-TOOTH DISEASE, TYPE 4B; CHARCOT-MARIE-TOOTH DISEASE, DEMYELINATING, TYPE 4B1; Charcot-Marie-Tooth Neuropathy Type 4B1. Identifiers: Orphanet 99955, MedGen C1832399, MONDO:0011066, OMIM 601382.
Charcot-Marie-Tooth disease. Also called: Charcot-Marie-Tooth Neuropathy; Charcot-Marie-Tooth Hereditary Neuropathy. Identifiers: Orphanet 166, MedGen C0007959, MONDO:0015626.

Allele frequency attached by ClinVar (database versions not stated): gnomAD exomes below 0.00001.
gnomAD v4.1: 3 of 1,614,078 alleles (0.00019%); highest among the groups gnomAD compares: Non-Finnish European, 0.00025%; no homozygotes.

Submissions (2):

Juno Genomics, Hangzhou Juno Genomics, Inc
Classification: Likely pathogenic for Charcot-Marie-Tooth disease type 4B1. Review status: criteria provided, single submitter. Criteria: ACMG Guidelines, 2015. Collection method: clinical testing. Allele origin: germline.
Comment: Absent from controls (or at extremely low frequency if recessive) in Genome Aggregation Database.;For recessive disorders, detected in trans with a pathogenic variant.;Patient's phenotype or family history is highly specific for a disease with a single genetic etiology.;Co-segregation with disease in multiple affected family members.;Well-established in vitro or in vivo functional studies supportive of a damaging effect on the gene or gene product.

Inherited Neuropathy Consortium
Classification: Uncertain significance for Charcot-Marie-Tooth disease. Review status: no assertion criteria provided. Collection method: literature only. Allele origin: germline. Affected: yes. Not counted in ClinVar's aggregate classification.

Literature cited by the submitters: PubMed 12398840 (cited by Inherited Neuropathy Consortium).